The following is an entry in ClinVar:

ClinVar aggregate classification (germline): Uncertain significance (0 of 4 stars; one submission).

Conditions:
EP300-related disorder. Also called: EP300-related condition; EP300-related disorders.

gnomAD v4.1: 6 of 1,614,136 alleles (0.00037%); highest among the groups gnomAD compares: Non-Finnish European, 0.00051%; no homozygotes.

Submission:

PreventionGenetics, part of Exact Sciences
Classification: Uncertain significance for EP300-related condition. Last evaluated: 2024-04-22. Review status: no assertion criteria provided. Collection method: clinical testing. Allele origin: germline.
Comment: The EP300 c.5171C>T variant is predicted to result in the amino acid substitution p.Thr1724Ile. To our knowledge, this variant has not been reported in the literature. This variant is reported in 0.00088% of alleles in individuals of European (Non-Finnish) descent in gnomAD. At this time, the clinical significance of this variant is uncertain due to the absence of conclusive functional and genetic evidence.

NM_001429.4(EP300):c.5171C>T (p.Thr1724Ile)

Gene: EP300 (E1A binding protein p300; plus strand). Cytogenetic location: 22q13.2.
Variant type: single nucleotide variant.
Coding change: c.5171C>T on transcript NM_001429.4 (MANE Select); coding-DNA position 5171, C replaced by T.
Protein change: p.Thr1724Ile; replaces threonine 1724 with isoleucine.
Molecular consequence: missense variant.
Genome position (GRCh38, 1-based): chr22:41,176,882, C>T. VCF-style: chr22-41176882-C-T. GRCh37 (hg19) VCF-style: chr22-41572886-C-T.
Other names: c.5093C>T, p.Thr1698Ile (NM_001362843.2); short protein forms T1698I, T1724I.
Identifiers: ClinVar variation 3345395 (VCV003345395.1).